The following is an entry in ClinVar:

ClinVar aggregate classification (germline): Pathogenic (1 of 4 stars; one submission).

Conditions:
Mucopolysaccharidosis, MPS-III-B (MPS3B). Also called: N-ACETYL-ALPHA-D-GLUCOSAMINIDASE DEFICIENCY; NAGLU DEFICIENCY; SANFILIPPO SYNDROME B; MPS III B; Mucopolysaccharidosis type IIIB (Sanfilippo B); MPS IIIB (Sanfilippo Syndrome Type B). Identifiers: Orphanet 79270, MedGen C0086648, MONDO:0009656, OMIM 252920.
Charcot-Marie-Tooth disease axonal type 2V. Also called: CHARCOT-MARIE-TOOTH NEUROPATHY, TYPE 2V; CHARCOT-MARIE-TOOTH DISEASE, AXONAL, AUTOSOMAL DOMINANT, TYPE 2V. Identifiers: Orphanet 447964, MedGen C5569050, MONDO:0014665, OMIM 616491.

Allele frequency attached by ClinVar (database versions not stated): gnomAD exomes below 0.00001.

Submission:

Labcorp Genetics (formerly Invitae), Labcorp
Classification: Pathogenic for Charcot-Marie-Tooth disease axonal type 2V; Mucopolysaccharidosis, MPS-III-B. Last evaluated: 2022-08-19. Review status: criteria provided, single submitter. Criteria: Invitae Variant Classification Sherloc (09022015). Collection method: clinical testing. Allele origin: germline.
Comment: For these reasons, this variant has been classified as Pathogenic. This variant has not been reported in the literature in individuals affected with NAGLU-related conditions. This variant is not present in population databases (gnomAD no frequency). This sequence change creates a premature translational stop signal (p.Leu214Argfs*25) in the NAGLU gene. It is expected to result in an absent or disrupted protein product. Loss-of-function variants in NAGLU are known to be pathogenic (PMID: 9832037, 10094189, 16151907).

Literature cited by the submitters: PubMed 9832037; PubMed 10094189; PubMed 16151907.

NM_000263.4(NAGLU):c.641del (p.Leu214fs)

Gene: NAGLU (N-acetyl-alpha-glucosaminidase; plus strand). Cytogenetic location: 17q21.2.
Variant type: Deletion.
Coding change: c.641del on transcript NM_000263.4 (MANE Select); coding-DNA position 641, one base deleted (T; older notation c.641delT).
Protein change: p.Leu214fs; shifts the reading frame from leucine 214.
Molecular consequence: frameshift variant.
Genome position (GRCh38, 1-based): chr17:42,538,448, T deleted. VCF-style (leftmost placement, unchanged base first): chr17-42538447-CT-C. GRCh37 (hg19) VCF-style: chr17-40690465-CT-C.
Other names: short protein forms L214fs.
Identifiers: ClinVar variation 2024643 (VCV002024643.4), dbSNP rs2510653303, ClinGen allele CA2576295373.